The following is an entry in ClinVar:

NM_002473.6(MYH9):c.2056C>T (p.His686Tyr)

Gene: MYH9 (myosin heavy chain 9; minus strand). Cytogenetic location: 22q12.3.
Variant type: single nucleotide variant.
Coding change: c.2056C>T on transcript NM_002473.6 (MANE Select); coding-DNA position 2056, C replaced by T.
Protein change: p.His686Tyr; replaces histidine 686 with tyrosine.
Molecular consequence: missense variant.
Genome position (GRCh38, 1-based): chr22:36,306,033, G>A on the plus strand (C>T on the coding strand, the complement: MYH9 is on the minus strand). VCF-style: chr22-36306033-G-A. GRCh37 (hg19) VCF-style: chr22-36702079-G-A.
Other names: short protein forms H686Y.
Identifiers: ClinVar variation 3699799 (VCV003699799.2).

ClinVar aggregate classification (germline): Uncertain significance (1 of 4 stars; one submission).

gnomAD v4.1: 3 of 1,613,288 alleles (0.00019%); highest among the groups gnomAD compares: Admixed American, 0.0017%; no homozygotes.

Submission:

Labcorp Genetics (formerly Invitae), Labcorp
Classification: Uncertain significance. Last evaluated: 2024-08-13. Review status: criteria provided, single submitter. Criteria: Invitae Variant Classification Sherloc (09022015). Collection method: clinical testing. Allele origin: germline.
Comment: This sequence change replaces histidine, which is basic and polar, with tyrosine, which is neutral and polar, at codon 686 of the MYH9 protein (p.His686Tyr). The frequency data for this variant in the population databases is considered unreliable, as metrics indicate poor data quality at this position in the gnomAD database. This variant has not been reported in the literature in individuals affected with MYH9-related conditions. Invitae Evidence Modeling of protein sequence and biophysical properties (such as structural, functional, and spatial information, amino acid conservation, physicochemical variation, residue mobility, and thermodynamic stability) indicates that this missense variant is not expected to disrupt MYH9 protein function with a negative predictive value of 95%. In summary, the available evidence is currently insufficient to determine the role of this variant in disease. Therefore, it has been classified as a Variant of Uncertain Significance.